The following is an entry in ClinVar:

NM_000368.5(TSC1):c.1439-11C>T

Gene: TSC1 (TSC complex subunit 1; minus strand). Cytogenetic location: 9q34.13.
Variant type: single nucleotide variant.
Coding change: c.1439-11C>T on transcript NM_000368.5 (MANE Select); 11 bases into the intron before coding-DNA position 1439, C replaced by T.
Molecular consequence: intron variant.
Genome position (GRCh38, 1-based): chr9:132,906,150, G>A on the plus strand (C>T on the coding strand, the complement: TSC1 is on the minus strand). VCF-style: chr9-132906150-G-A. GRCh37 (hg19) VCF-style: chr9-135781537-G-A.
Other names: c.1076-11C>T (NM_001362177.2); c.1286-11C>T (NM_001162427.2); c.1436-11C>T (NM_001162426.2).
Identifiers: ClinVar variation 2041621 (VCV002041621.6), dbSNP rs1845662022, ClinGen allele CA1882415029.

ClinVar aggregate classification (germline): Likely benign. Review status: criteria provided, multiple submitters, no conflicts (2 of 4 stars). 3 submissions from 3 submitters: Likely benign (3). Last evaluated 2025-04-09.

Conditions:
Tuberous sclerosis 1 (TSC1). Identifiers: Orphanet 805, MedGen C1854465, MONDO:0008612, OMIM 191100.
Tuberous sclerosis syndrome (TSC). Also called: Tuberous Sclerosis Complex; Tuberous sclerosis. Identifiers: Orphanet 805, MedGen C0041341, MONDO:0001734.

Allele frequency attached by ClinVar (database versions not stated): gnomAD exomes 0.00001.
gnomAD v4.1: 3 of 1,611,162 alleles (0.00019%); highest among the groups gnomAD compares: Non-Finnish European, 0.00025%; no homozygotes.

Submissions (3):

Myriad Genetics, Inc.
Classification: Likely benign for Tuberous sclerosis 1. Last evaluated: 2025-04-09. Review status: criteria provided, single submitter. Criteria: Myriad Autosomal Dominant, Autosomal Recessive and X-Linked Classification Criteria (2023). Collection method: clinical testing. Allele origin: unknown.
Comment: This variant is considered likely benign. This variant is intronic and is not expected to impact mRNA splicing.

Labcorp Genetics (formerly Invitae), Labcorp
Classification: Likely benign for Tuberous sclerosis 1. Last evaluated: 2024-08-14. Review status: criteria provided, single submitter. Criteria: Invitae Variant Classification Sherloc (09022015). Collection method: clinical testing. Allele origin: germline.

All of Us Research Program, National Institutes of Health
Classification: Likely benign for Tuberous sclerosis syndrome. Last evaluated: 2024-07-10. Review status: criteria provided, single submitter. Criteria: ACMG Guidelines, 2015. Collection method: clinical testing. Allele origin: germline. Inheritance: Autosomal dominant inheritance. Observed: 2 variant alleles, 2 heterozygotes.
Comment: This study involves interpretation of variants in research participants for the purpose of population health screening. Participant phenotype was not available at the time of variant classification. Additional details can be found in publication PMID: 35346344, PMCID: PMC8962531